The following is an entry in ClinVar:

ClinVar aggregate classification (germline): Uncertain significance (1 of 4 stars; one submission).

gnomAD v4.1: 2 of 1,613,906 alleles (0.00012%); highest among the groups gnomAD compares: African/African-American, 0.0027%; no homozygotes.

Submission:

GeneDx
Classification: Uncertain significance. Last evaluated: 2024-10-13. Review status: criteria provided, single submitter. Criteria: GeneDx Variant Classification Process June 2021. Collection method: clinical testing. Allele origin: germline. Affected: yes.
Comment: Not observed at significant frequency in large population cohorts (gnomAD); In silico analysis indicates that this missense variant does not alter protein structure/function; Has not been previously published as pathogenic or benign to our knowledge

NM_001394998.1(TANC2):c.5609G>A (p.Ser1870Asn)

Gene: TANC2 (tetratricopeptide repeat, ankyrin repeat and coiled-coil containing 2; plus strand). Cytogenetic location: 17q23.3.
Variant type: single nucleotide variant.
Coding change: c.5609G>A on transcript NM_001394998.1 (MANE Select); coding-DNA position 5609, G replaced by A.
Protein change: p.Ser1870Asn; replaces serine 1870 with asparagine.
Molecular consequence: missense variant.
Genome position (GRCh38, 1-based): chr17:63,421,339, G>A. VCF-style: chr17-63421339-G-A. GRCh37 (hg19) VCF-style: chr17-61498700-G-A.
Other names: c.5387G>A, p.Ser1796Asn (NM_001411076.1); c.5357G>A, p.Ser1786Asn (NM_025185.4); short protein forms S1870N, S1796N, S1786N.
Identifiers: ClinVar variation 3781087 (VCV003781087.1).